The following is an entry in ClinVar:

ClinVar aggregate classification (germline): Likely benign. Review status: criteria provided, multiple submitters, no conflicts (2 of 4 stars). 2 submissions from 2 submitters: Likely benign (2). Last evaluated 2025-03-31.

Conditions:
Cardiovascular phenotype. Identifiers: MedGen CN230736.
JPH2-related disorder. Also called: JPH2-related condition.

Submissions (2):

PreventionGenetics, part of Exact Sciences
Classification: Likely benign for JPH2-related condition. Last evaluated: 2025-03-31. Review status: criteria provided, single submitter. Criteria: ACMG Guidelines, 2015. Collection method: clinical testing. Allele origin: germline.
Comment: This variant is classified as likely benign based on ACMG/AMP sequence variant interpretation guidelines (Richards et al. 2015 PMID: 25741868, with internal and published modifications).

Ambry Genetics
Classification: Likely benign for Cardiovascular phenotype. Last evaluated: 2020-02-13. Review status: criteria provided, single submitter. Criteria: Ambry Variant Classification Scheme 2023. Collection method: clinical testing. Allele origin: germline.

NM_020433.5(JPH2):c.831A>G (p.Ala277=)

Gene: JPH2 (junctophilin 2; minus strand). Cytogenetic location: 20q13.12.
Variant type: single nucleotide variant.
Coding change: c.831A>G on transcript NM_020433.5 (MANE Select); coding-DNA position 831, A replaced by G.
Protein change: p.Ala277=; no amino-acid change (alanine 277 retained).
Molecular consequence: synonymous variant.
Genome position (GRCh38, 1-based): chr20:44,159,956, T>C on the plus strand (A>G on the coding strand, the complement: JPH2 is on the minus strand). VCF-style: chr20-44159956-T-C. GRCh37 (hg19) VCF-style: chr20-42788596-T-C.
Identifiers: ClinVar variation 1762894 (VCV001762894.3), dbSNP rs1378024703, ClinGen allele CA510739624.